The following is an entry in ClinVar:

ClinVar aggregate classification (germline): Pathogenic. Review status: criteria provided, single submitter (1 of 4 stars). 3 submissions from 3 submitters: Pathogenic (1). 2 of the submissions do not count toward it. Last evaluated 2024-02-24.

Conditions:
Autosomal dominant nonsyndromic hearing loss 2A. Also called: DFNA2 Nonsyndromic Hearing Loss; Deafness, autosomal dominant 2A; Autosomal dominant nonsyndromic deafness 2A. Identifiers: Orphanet 90635, MedGen C2677637, MONDO:0010817, OMIM 600101.

Submissions (3):

Labcorp Genetics (formerly Invitae), Labcorp
Classification: Pathogenic. Last evaluated: 2024-02-24. Review status: criteria provided, single submitter. Criteria: Invitae Variant Classification Sherloc (09022015). Collection method: clinical testing. Allele origin: germline.
Comment: This sequence change replaces glycine, which is neutral and non-polar, with cysteine, which is neutral and slightly polar, at codon 285 of the KCNQ4 protein (p.Gly285Cys). This variant is not present in population databases (gnomAD no frequency). This missense change has been observed in individual(s) with autosomal dominant deafness (PMID: 8035838, 10369879, 23717403). It has also been observed to segregate with disease in related individuals. ClinVar contains an entry for this variant (Variation ID: 6244). Advanced modeling of protein sequence and biophysical properties (such as structural, functional, and spatial information, amino acid conservation, physicochemical variation, residue mobility, and thermodynamic stability) performed at Invitae indicates that this missense variant is expected to disrupt KCNQ4 protein function with a positive predictive value of 95%. Experimental studies have shown that this missense change affects KCNQ4 function (PMID: 20832469, 20966080). This variant disrupts the p.Gly285 amino acid residue in KCNQ4. Other variant(s) that disrupt this residue have been determined to be pathogenic (PMID: 10025409, 20966080, 25116015). This suggests that this residue is clinically significant, and that variants that disrupt this residue are likely to be disease-causing. For these reasons, this variant has been classified as Pathogenic.

OMIM
Classification: Pathogenic for DEAFNESS, AUTOSOMAL DOMINANT 2A. Last evaluated: 1999-02-05. Review status: no assertion criteria provided. Collection method: literature only. Allele origin: germline. Not counted in ClinVar's aggregate classification.

GeneReviews
No classification provided. Condition: Autosomal dominant nonsyndromic hearing loss 2A. Review status: no classification provided. Collection method: literature only. Allele origin: unknown. Not counted in ClinVar's aggregate classification.

Literature cited by the submitters: PubMed 8035838 (cited by Labcorp Genetics (formerly Invitae), Labcorp and OMIM); PubMed 10369879 (cited by Labcorp Genetics (formerly Invitae), Labcorp and GeneReviews); PubMed 23717403 (cited by Labcorp Genetics (formerly Invitae), Labcorp); PubMed 20832469 (cited by Labcorp Genetics (formerly Invitae), Labcorp); PubMed 20966080 (cited by Labcorp Genetics (formerly Invitae), Labcorp); PubMed 10025409 (cited by 3 submitters); PubMed 25116015 (cited by Labcorp Genetics (formerly Invitae), Labcorp); PubMed 20301388 (cited by GeneReviews); NCBI Bookshelf NBK1209 (cited by GeneReviews).

NM_004700.4(KCNQ4):c.853G>T (p.Gly285Cys)

Gene: KCNQ4 (potassium voltage-gated channel subfamily Q member 4; plus strand). Cytogenetic location: 1p34.2.
Variant type: single nucleotide variant.
Coding change: c.853G>T on transcript NM_004700.4 (MANE Select); coding-DNA position 853, G replaced by T.
Protein change: p.Gly285Cys; replaces glycine 285 with cysteine.
Molecular consequence: missense variant.
Genome position (GRCh38, 1-based): chr1:40,819,893, G>T. VCF-style: chr1-40819893-G-T. GRCh37 (hg19) VCF-style: chr1-41285565-G-T.
Other names: c.853G>T, p.Gly285Cys (NM_172163.3); short protein forms G285C.
Identifiers: ClinVar variation 6244 (VCV000006244.12), dbSNP rs28937588, ClinGen allele CA340535.